The following is an entry in ClinVar:

NM_005154.5(USP8):c.2879_2895+12dup

Genes: USP8 (ubiquitin specific peptidase 8; plus strand), USP50 (ubiquitin specific peptidase 50; minus strand). Cytogenetic location: 15q21.2.
Variant type: Duplication.
Coding change: c.2879_2895+12dup on transcript NM_005154.5 (MANE Select); coding-DNA position 2879 through 12 bases into the intron after coding-DNA position 2895, 29 bases duplicated (GTAAATGTACATTACAGGTAAGTTTAAGA).
Molecular consequence: splice donor variant.
Genome position (GRCh38, 1-based): chr15:50,496,068-50,496,096, GTAAATGTACATTACAGGTAAGTTTAAGA duplicated; duplicating any 29 consecutive bases within chr15:50,496,067-50,496,096 gives the same sequence; the c. name uses the placement nearest the transcript's 3' end. VCF-style (leftmost placement, unchanged base first): chr15-50496066-A-AAGTAAATGTACATTACAGGTAAGTTTAAG. GRCh37 (hg19) VCF-style: chr15-50788263-A-AAGTAAATGTACATTACAGGTAAGTTTAAG.
Other names: c.2879_2895+12dup (NM_001128610.3); c.2561_2577+12dup (NM_001283049.2).
Identifiers: ClinVar variation 3692676 (VCV003692676.2).

ClinVar aggregate classification (germline): Uncertain significance (1 of 4 stars; one submission).

Conditions:
Hereditary spastic paraplegia. Also called: Familial spastic paraparesis. Identifiers: Orphanet 685, MedGen C0037773, MONDO:0019064. Disease mechanism: loss of function.

Submission:

Labcorp Genetics (formerly Invitae), Labcorp
Classification: Uncertain significance for Hereditary spastic paraplegia. Last evaluated: 2025-01-31. Review status: criteria provided, single submitter. Criteria: Invitae Variant Classification Sherloc (09022015). Collection method: clinical testing. Allele origin: germline.
Comment: This sequence change falls in intron 17 of the USP8 gene. It does not directly change the encoded amino acid sequence of the USP8 protein. This variant is not present in population databases (gnomAD no frequency). This variant has not been reported in the literature in individuals affected with USP8-related conditions. Experimental studies and prediction algorithms are not available or were not evaluated, and the functional significance of this variant is currently unknown. In summary, the available evidence is currently insufficient to determine the role of this variant in disease. Therefore, it has been classified as a Variant of Uncertain Significance.